The following is an entry in ClinVar:

NM_000548.5(TSC2):c.1717A>C (p.Thr573Pro)

Gene: TSC2 (TSC complex subunit 2; plus strand). Cytogenetic location: 16p13.3.
Variant type: single nucleotide variant.
Coding change: c.1717A>C on transcript NM_000548.5 (MANE Select); coding-DNA position 1717, A replaced by C.
Protein change: p.Thr573Pro; replaces threonine 573 with proline.
Molecular consequence: missense variant. On other transcripts: non-coding transcript variant (5).
Genome position (GRCh38, 1-based): chr16:2,070,456, A>C. VCF-style: chr16-2070456-A-C. GRCh37 (hg19) VCF-style: chr16-2120457-A-C.
Other names: c.1717A>C, p.Thr573Pro (NM_001077183.3, NM_001114382.3, NM_001363528.2 and 6 more transcripts); c.1606A>C, p.Thr536Pro (NM_001318827.2, NM_001406678.1, NM_001406670.1); c.1570A>C, p.Thr524Pro (NM_001318829.2, NM_001406676.1, NM_001406679.1 and 1 more transcripts); c.1117A>C, p.Thr373Pro (NM_001318831.2, NM_001406680.1, NM_001406682.1 and 6 more transcripts); c.1750A>C, p.Thr584Pro (NM_001318832.2); c.1660A>C, p.Thr554Pro (NM_001406677.1); c.1255A>C, p.Thr419Pro (NM_001406681.1); c.373A>C, p.Thr125Pro (NM_001406695.1, NM_001406696.1, NM_001406697.1 and 6 more transcripts); and 3 more; short protein forms T125P, T373P, T39P, T419P, T524P, T536P, T554P, T569P.
Identifiers: ClinVar variation 2679339 (VCV002679339.4), dbSNP rs748396290, ClinGen allele CA033099.

ClinVar aggregate classification (germline): Uncertain significance. Review status: criteria provided, multiple submitters, no conflicts (2 of 4 stars). 2 submissions from 2 submitters: Uncertain significance (2). Last evaluated 2023-09-29.

Conditions:
Tuberous sclerosis 2 (TSC2). Identifiers: Orphanet 805, MedGen C1860707, MONDO:0013199, OMIM 613254.
Isolated focal cortical dysplasia type II (FCORD2). Also called: Focal cortical dysplasia type II; CORTICAL DYSPLASIA OF TAYLOR. Identifiers: Orphanet 268994, MedGen C1846385, MONDO:0011818, OMIM 607341, HP:0032051.

Submissions (2):

Labcorp Genetics (formerly Invitae), Labcorp
Classification: Uncertain significance for Tuberous sclerosis 2. Last evaluated: 2023-09-29. Review status: criteria provided, single submitter. Criteria: Invitae Variant Classification Sherloc (09022015). Collection method: clinical testing. Allele origin: germline.
Comment: In summary, the available evidence is currently insufficient to determine the role of this variant in disease. Therefore, it has been classified as a Variant of Uncertain Significance. An algorithm developed to predict the effect of missense changes on protein structure and function (PolyPhen-2) suggests that this variant is likely to be disruptive. This variant has not been reported in the literature in individuals affected with TSC2-related conditions. This variant is present in population databases (rs748396290, gnomAD 0.0009%). This sequence change replaces threonine, which is neutral and polar, with proline, which is neutral and non-polar, at codon 573 of the TSC2 protein (p.Thr573Pro).

Baylor Genetics
Classification: Uncertain significance for Isolated focal cortical dysplasia type II. Last evaluated: 2023-06-19. Review status: criteria provided, single submitter. Criteria: ACMG Guidelines, 2015. Collection method: clinical testing. Allele origin: unknown.